The following is an entry in ClinVar:

NM_003200.5(TCF3):c.1619dup (p.Glu541fs)

Gene: TCF3 (transcription factor 3; minus strand). Cytogenetic location: 19p13.3.
Variant type: Duplication.
Coding change: c.1619dup on transcript NM_003200.5 (MANE Select); coding-DNA position 1619, one base duplicated (C; older notation c.1619dupC).
Protein change: p.Glu541fs; shifts the reading frame from glutamic acid 541.
Molecular consequence: frameshift variant. On other transcripts: intron variant (2).
Genome position (GRCh38, 1-based): chr19:1,615,488, G duplicated on the plus strand (C on the coding strand, the reverse complement: TCF3 is on the minus strand); the first of 6 consecutive G bases (chr19:1,615,488-1,615,493); duplicating any one gives the same sequence. VCF-style (leftmost placement, unchanged base first): chr19-1615487-T-TG. GRCh37 (hg19) VCF-style: chr19-1615486-T-TG.
Other names: c.1616dup, p.Glu540fs (NM_001351778.2); c.1586+198dup (NM_001136139.4, NM_001351779.2); short protein forms E540fs, E541fs.
Identifiers: ClinVar variation 4292914 (VCV004292914.1).

ClinVar aggregate classification (germline): Likely pathogenic (1 of 4 stars; one submission).

Conditions:
Agammaglobulinemia 8b, autosomal recessive. Also called: AGAMMAGLOBULINEMIA, AUTOSOMAL RECESSIVE, DUE TO TCF3 DEFECT. Identifiers: MedGen C5676958, MONDO:0859234, OMIM 619824.

Submission:

3billion
Classification: Likely pathogenic for Agammaglobulinemia 8b, autosomal recessive. Last evaluated: 2025-02-06. Review status: criteria provided, single submitter. Criteria: ACMG Guidelines, 2015. Collection method: clinical testing. Allele origin: germline. Affected: yes.
Comment: The variant is not observed in the gnomAD v4.1.0 dataset. Predicted Consequence/Location: Frameshift: predicted to result in a loss or disruption of normal protein function through nonsense-mediated decay (NMD) or protein truncation. Multiple pathogenic variants are reported downstream of the variant. Therefore, this variant is classified as Likely pathogenic according to the recommendation of ACMG/AMP guideline.